The following is an entry in ClinVar:

NM_000444.6(PHEX):c.1776_1778dup (p.Tyr593Ter)

Genes: PHEX (phosphate regulating endopeptidase X-linked; plus strand), PTCHD1-AS (PTCHD1 and PHEX antisense RNA; minus strand). Cytogenetic location: Xp22.11.
Variant type: Duplication.
Coding change: c.1776_1778dup on transcript NM_000444.6 (MANE Select); coding-DNA positions 1776 to 1778, 3 bases duplicated (ATA; older notation c.1776_1778dupATA).
Protein change: p.Tyr593Ter; replaces tyrosine 593 with a stop codon.
Molecular consequence: nonsense.
Genome position (GRCh38, 1-based): chrX:22,221,620-22,221,622, ATA duplicated; duplicating any 3 consecutive bases within chrX:22,221,619-22,221,622 gives the same sequence; the c. name uses the placement nearest the transcript's 3' end. VCF-style (leftmost placement, unchanged base first): chrX-22221618-A-AAAT. GRCh37 (hg19) VCF-style: chrX-22239735-A-AAAT.
Other names: c.1776_1778dup, p.Tyr593Ter (NM_001282754.2); short protein forms Y593*.
Identifiers: ClinVar variation 2767642 (VCV002767642.3), dbSNP rs2518664167, ClinGen allele CA2697552906.

ClinVar aggregate classification (germline): Pathogenic (1 of 4 stars; one submission).

Submission:

Labcorp Genetics (formerly Invitae), Labcorp
Classification: Pathogenic. Last evaluated: 2023-10-11. Review status: criteria provided, single submitter. Criteria: Invitae Variant Classification Sherloc (09022015). Collection method: clinical testing. Allele origin: germline.
Comment: This sequence change creates a premature translational stop signal (p.Tyr593*) in the PHEX gene. It is expected to result in an absent or disrupted protein product. Loss-of-function variants in PHEX are known to be pathogenic (PMID: 9097956, 9106524, 19219621). This variant is not present in population databases (gnomAD no frequency). This premature translational stop signal has been observed in individual(s) with X-linked hypophosphatemia (PMID: 32253725). For these reasons, this variant has been classified as Pathogenic.

Literature cited by the submitters: PubMed 9097956; PubMed 9106524; PubMed 19219621; PubMed 32253725.